The following is an entry in ClinVar:

ClinVar aggregate classification (germline): Uncertain significance (1 of 4 stars; one submission).

Submission:

Labcorp Genetics (formerly Invitae), Labcorp
Classification: Uncertain significance. Last evaluated: 2024-08-20. Review status: criteria provided, single submitter. Criteria: Invitae Variant Classification Sherloc (09022015). Collection method: clinical testing. Allele origin: germline.
Comment: This sequence change replaces isoleucine, which is neutral and non-polar, with threonine, which is neutral and polar, at codon 184 of the RPL19 protein (p.Ile184Thr). This variant is not present in population databases (gnomAD no frequency). This variant has not been reported in the literature in individuals affected with RPL19-related conditions. An algorithm developed to predict the effect of missense changes on protein structure and function (PolyPhen-2) suggests that this variant is likely to be tolerated. In summary, the available evidence is currently insufficient to determine the role of this variant in disease. Therefore, it has been classified as a Variant of Uncertain Significance.

NM_000981.4(RPL19):c.551T>C (p.Ile184Thr)

Gene: RPL19 (ribosomal protein L19; plus strand). Cytogenetic location: 17q12.
Variant type: single nucleotide variant.
Coding change: c.551T>C on transcript NM_000981.4 (MANE Select); coding-DNA position 551, T replaced by C.
Protein change: p.Ile184Thr; replaces isoleucine 184 with threonine.
Molecular consequence: missense variant.
Genome position (GRCh38, 1-based): chr17:39,204,608, T>C. VCF-style: chr17-39204608-T-C. GRCh37 (hg19) VCF-style: chr17-37360861-T-C.
Other names: c.545T>C, p.Ile182Thr (NM_001330200.1); short protein forms I182T, I184T.
Identifiers: ClinVar variation 3662945 (VCV003662945.2).